The following is an entry in ClinVar:

NM_001163692.2(UBAP1L):c.690T>C (p.Pro230=)

Gene: UBAP1L (ubiquitin associated protein 1 like; minus strand). Cytogenetic location: 15q22.31.
Variant type: single nucleotide variant.
Coding change: c.690T>C on transcript NM_001163692.2 (MANE Select); coding-DNA position 690, T replaced by C.
Protein change: p.Pro230=; no amino-acid change (proline 230 retained).
Molecular consequence: synonymous variant.
Genome position (GRCh38, 1-based): chr15:65,102,115, A>G on the plus strand (T>C on the coding strand, the complement: UBAP1L is on the minus strand). VCF-style: chr15-65102115-A-G. GRCh37 (hg19) VCF-style: chr15-65394453-A-G.
Identifiers: ClinVar variation 4083781 (VCV004083781.8).

ClinVar aggregate classification (germline): Benign (1 of 4 stars; one submission).

gnomAD v4.1: 13,264 of 1,191,250 alleles (1.1%); highest among the groups gnomAD compares: Middle Eastern, 2.5%; 108 homozygotes.

Submission:

CeGaT Center for Human Genetics Tuebingen
Classification: Benign. Last evaluated: 2026-01-01. Review status: criteria provided, single submitter. Criteria: CeGaT Center For Human Genetics Tuebingen Variant Classification Criteria Version 2. Collection method: clinical testing. Allele origin: germline. Affected: yes. Observed: 3 variant alleles.
Comment: UBAP1L: BP4, BP7, BS1, BS2